The following is an entry in ClinVar:

ClinVar aggregate classification (germline): Conflicting classifications of pathogenicity. Review status: criteria provided, conflicting classifications (1 of 4 stars). 4 submissions from 4 submitters: Uncertain significance (2); Benign (1). 1 of the submissions does not count toward it. Last evaluated 2025-12-13.

Conditions:
Nemaline myopathy 2 (NEM2). Also called: Nemaline myopathy 2, autosomal recessive. Identifiers: MedGen C1850569, MONDO:0009725, OMIM 256030.

Allele frequency attached by ClinVar (database versions not stated): gnomAD exomes 0.00005; ExAC 0.00007; TOPMed 0.00016; gnomAD 0.00019; ESP Exome Variant Server 0.00044.
gnomAD v4.1: 76 of 1,610,388 alleles (0.0047%); highest among the groups gnomAD compares: African/African-American, 0.072%; no homozygotes.

Submissions (4):

Labcorp Genetics (formerly Invitae), Labcorp
Classification: Benign for Nemaline myopathy 2. Last evaluated: 2025-12-13. Review status: criteria provided, single submitter. Criteria: Invitae Variant Classification Sherloc (09022015). Collection method: clinical testing. Allele origin: germline.

GeneDx
Classification: Uncertain significance. Last evaluated: 2024-06-18. Review status: criteria provided, single submitter. Criteria: GeneDx Variant Classification Process June 2021. Collection method: clinical testing. Allele origin: germline. Affected: yes.
Comment: In silico analysis indicates that this missense variant does not alter protein structure/function; Has not been previously published as pathogenic or benign to our knowledge

Revvity Omics, Revvity
Classification: Uncertain significance. Last evaluated: 2019-05-31. Review status: criteria provided, single submitter. Criteria: ACMG Guidelines, 2015. Collection method: clinical testing. Allele origin: germline.

Natera, Inc.
Classification: Uncertain significance for Nemaline myopathy type 2. Last evaluated: 2020-03-11. Review status: no assertion criteria provided. Collection method: clinical testing. Allele origin: germline. Not counted in ClinVar's aggregate classification.

NM_001164508.2(NEB):c.9067G>A (p.Val3023Met)

Gene: NEB (nebulin; minus strand). Cytogenetic location: 2q23.3.
Variant type: single nucleotide variant.
Coding change: c.9067G>A on transcript NM_001164508.2 (MANE Select); coding-DNA position 9067, G replaced by A.
Protein change: p.Val3023Met; replaces valine 3023 with methionine.
Molecular consequence: missense variant. On other transcripts: intron variant (1).
Genome position (GRCh38, 1-based): chr2:151,636,262, C>T on the plus strand (G>A on the coding strand, the complement: NEB is on the minus strand). VCF-style: chr2-151636262-C-T. GRCh37 (hg19) VCF-style: chr2-152492776-C-T.
Other names: c.9067G>A, p.Val3023Met (NM_001164507.2, NM_001271208.2); c.8853+3631G>A (NM_004543.5); short protein forms V3023M.
Identifiers: ClinVar variation 653651 (VCV000653651.11), dbSNP rs377375638, ClinGen allele CA1909423.